The following is an entry in ClinVar:

NM_000059.4(BRCA2):c.4335A>C (p.Lys1445Asn)

Gene: BRCA2 (BRCA2 DNA repair associated; plus strand). Cytogenetic location: 13q13.1.
Variant type: single nucleotide variant.
Coding change: c.4335A>C on transcript NM_000059.4 (MANE Select); coding-DNA position 4335, A replaced by C.
Protein change: p.Lys1445Asn; replaces lysine 1445 with asparagine.
Molecular consequence: missense variant.
Genome position (GRCh38, 1-based): chr13:32,338,690, A>C. VCF-style: chr13-32338690-A-C. GRCh37 (hg19) VCF-style: chr13-32912827-A-C.
Other names: short protein forms K1445N.
Identifiers: ClinVar variation 409581 (VCV000409581.10), dbSNP rs1060502480, ClinGen allele CA16614301.

ClinVar aggregate classification (germline): Conflicting classifications of pathogenicity. Review status: criteria provided, conflicting classifications (1 of 4 stars). 2 submissions from 2 submitters: Uncertain significance (1); Likely benign (1). Last evaluated 2023-03-23.

Conditions:
Hereditary cancer-predisposing syndrome. Also called: Tumor predisposition; Hereditary Cancer Syndrome; Hereditary neoplastic syndrome; Neoplastic Syndromes, Hereditary. Identifiers: Orphanet 140162, MedGen C0027672, MeSH D009386, MONDO:0015356.
Hereditary breast ovarian cancer syndrome. Also called: Hereditary breast and ovarian cancer; Hereditary breast and/or ovarian cancer syndrome; BRCA1- and BRCA2-Associated Hereditary Breast and Ovarian Cancer; Hereditary breast and ovarian cancer syndrome; Hereditary breast and ovarian cancer syndrome (HBOC); Breast and ovarian cancer. Identifiers: Orphanet 145, MedGen C0677776, MeSH D061325, MONDO:0003582. Disease mechanism: loss of function.

Submissions (2):

University of Washington Department of Laboratory Medicine, University of Washington
Classification: Likely benign for Hereditary cancer-predisposing syndrome. Last evaluated: 2023-03-23. Review status: criteria provided, single submitter. Criteria: Dines et al. (Genet Med. 2020). Collection method: curation. Allele origin: germline.
Comment: Missense variant in a coldspot region where missense variants are very unlikely to be pathogenic (PMID:31911673).

BRCA2 exon 11 coldspot. Reclassification based on statistical prior probability.

Labcorp Genetics (formerly Invitae), Labcorp
Classification: Uncertain significance for Hereditary breast ovarian cancer syndrome. Last evaluated: 2023-03-20. Review status: criteria provided, single submitter. Criteria: Invitae Variant Classification Sherloc (09022015). Collection method: clinical testing. Allele origin: germline.
Comment: This sequence change replaces lysine, which is basic and polar, with asparagine, which is neutral and polar, at codon 1445 of the BRCA2 protein (p.Lys1445Asn). This variant is not present in population databases (gnomAD no frequency). This variant has not been reported in the literature in individuals affected with BRCA2-related conditions. ClinVar contains an entry for this variant (Variation ID: 409581). Advanced modeling of protein sequence and biophysical properties (such as structural, functional, and spatial information, amino acid conservation, physicochemical variation, residue mobility, and thermodynamic stability) performed at Invitae indicates that this missense variant is not expected to disrupt BRCA2 protein function. In summary, the available evidence is currently insufficient to determine the role of this variant in disease. Therefore, it has been classified as a Variant of Uncertain Significance.